The following is an entry in ClinVar:

ClinVar aggregate classification (germline): Uncertain significance (1 of 4 stars; one submission).

gnomAD v4.1: 2 of 152,218 alleles (0.0013%); highest among the groups gnomAD compares: African/African-American, 0.0024%; no homozygotes.

Submission:

Institute for Human Genetics, University Hospital Essen
Classification: Uncertain significance. Last evaluated: 2005-03-05. Review status: criteria provided, single submitter. Criteria: ACMG Guidelines, 2015. Collection method: clinical testing. Allele origin: de novo. Affected: yes.
Comment: PM2_supp, PS2

NR_002753.8(RNU5F-1):n.47A>C

Genes: ARMH1 (armadillo like helical domain containing 1; plus strand), RNU5F-1 (RNA, U5F small nuclear 1; minus strand). Cytogenetic location: 1p34.1.
Variant type: single nucleotide variant.
Molecular consequence: intron variant (on NM_001145636.2).
Genome position: GRCh38 VCF-style: chr1-44721855-T-G. GRCh37 (hg19) VCF-style: chr1-45187527-T-G.
Other names: c.725-2267T>G (NM_001145636.2).
Identifiers: ClinVar variation 3770166 (VCV003770166.1).